The following is an entry in ClinVar:

ClinVar aggregate classification (germline): Pathogenic/Likely pathogenic. Review status: criteria provided, multiple submitters, no conflicts (2 of 4 stars). 2 submissions from 2 submitters: Pathogenic (1); Likely pathogenic (1). Last evaluated 2025-01-03.

Conditions:
Progressive sclerosing poliodystrophy (MTDPS4A). Also called: ALPERS PROGRESSIVE INFANTILE POLIODYSTROPHY; NEURONAL DEGENERATION OF CHILDHOOD WITH LIVER DISEASE, PROGRESSIVE; Alpers Syndrome; Mitochondrial DNA Depletion Syndrome 4A; Alpers-Huttenlocher Syndrome (AHS); ALPERS DIFFUSE DEGENERATION OF CEREBRAL GRAY MATTER WITH HEPATIC CIRRHOSIS. Identifiers: Orphanet 726, MedGen C0205710, MONDO:0008758, OMIM 203700.
POLG-related disorder. Also called: POLG-Related Spectrum Disorders; POLG-related condition; POLG-Related Disorders. Identifiers: MedGen C4763519.

Submissions (2):

Myriad Genetics, Inc.
Classification: Pathogenic for POLG-related disorder. Last evaluated: 2025-01-03. Review status: criteria provided, single submitter. Criteria: Myriad Autosomal Dominant, Autosomal Recessive and X-Linked Classification Criteria (2023). Collection method: clinical testing. Allele origin: unknown.
Comment: NM_002693.2(POLG):c.740delT(L247Rfs*19) is expected to be pathogenic in the context of POLG-related disorders. This variant is predicted to lead to an abnormal or absent protein product due to the creation of a premature termination codon in POLG, a gene where loss-of-function variants are known to be pathogenic. Please note: this variant was assessed in the context of healthy population screening.

Baylor Genetics
Classification: Likely pathogenic for Progressive sclerosing poliodystrophy. Last evaluated: 2023-12-13. Review status: criteria provided, single submitter. Criteria: ACMG Guidelines, 2015. Collection method: clinical testing. Allele origin: unknown.

NM_002693.3(POLG):c.740del (p.Leu247fs)

Gene: POLG (DNA polymerase gamma, catalytic subunit; minus strand). Cytogenetic location: 15q26.1.
Variant type: Deletion.
Coding change: c.740del on transcript NM_002693.3 (MANE Select); coding-DNA position 740, one base deleted (T; older notation c.740delT).
Protein change: p.Leu247fs; shifts the reading frame from leucine 247.
Molecular consequence: frameshift variant.
Genome position (GRCh38, 1-based): chr15:89,330,196, A deleted on the plus strand (T on the coding strand, the reverse complement: POLG is on the minus strand). VCF-style (leftmost placement, unchanged base first): chr15-89330195-CA-C. GRCh37 (hg19) VCF-style: chr15-89873426-CA-C.
Other names: c.740del, p.Leu247fs (NM_001126131.2); short protein forms L247fs.
Identifiers: ClinVar variation 3240176 (VCV003240176.2), dbSNP rs2509265601.
Genomic context (GRCh38, chr15:89,330,195, plus strand): 5'-CACCACTAACTGCTCCTGCCAGTCTCTCTGGGTGGGGCTGCTGGCACCAGTAGGGACCTC[CA>C]GGGGGATGAGGTCAGCCGGCGACAGCTGGCTGGTCCAAGAGTAACGCTCTTCCACCAGCC-3'